The following is an entry in ClinVar:

NM_177531.6(PKHD1L1):c.2250del (p.Ala749_Tyr750insTer)

Gene: PKHD1L1 (PKHD1 like 1; plus strand). Cytogenetic location: 8q23.1.
Variant type: Deletion.
Coding change: c.2250del on transcript NM_177531.6 (MANE Select); coding-DNA position 2250, one base deleted (C; older notation c.2250delC).
Protein change: p.Ala749_Tyr750insTer.
Molecular consequence: nonsense.
Genome position (GRCh38, 1-based): chr8:109,413,435, C deleted. VCF-style (leftmost placement, unchanged base first): chr8-109413434-AC-A. GRCh37 (hg19) VCF-style: chr8-110425663-AC-A.
Identifiers: ClinVar variation 4850292 (VCV004850292.1).

ClinVar aggregate classification (germline): Likely pathogenic (1 of 4 stars; one submission).

Conditions:
Autosomal recessive nonsyndromic hearing loss 124. Also called: DEAFNESS, AUTOSOMAL RECESSIVE 124. Identifiers: MedGen C5935612, MONDO:0968981, OMIM 620794.

Submission:

First Genomix Gene Laboratory, Genetic Diagnostics Department
Classification: Likely pathogenic for Autosomal recessive nonsyndromic hearing loss 124. Last evaluated: 2025-09-04. Review status: criteria provided, single submitter. Criteria: ACMG Guidelines, 2015. Collection method: clinical testing. Allele origin: germline. Inheritance: Autosomal recessive inheritance. Affected: no. Observed: 1 variant allele.